The following is an entry in ClinVar:

ClinVar aggregate classification (germline): Conflicting classifications of pathogenicity. Review status: criteria provided, conflicting classifications (1 of 4 stars). 2 submissions from 2 submitters: Uncertain significance (1); Likely benign (1). Last evaluated 2025-03-13.

Allele frequency attached by ClinVar (database versions not stated): ExAC 0.00002; gnomAD 0.00001; 1000 Genomes Project 30x 0.00016; 1000 Genomes Project 0.00020; gnomAD exomes below 0.00001 and 0.00001.
gnomAD v4.1: 4 of 1,614,140 alleles (0.00025%); highest among the groups gnomAD compares: South Asian, 0.0044%; no homozygotes.

Submissions (2):

Revvity Omics, Revvity
Classification: Uncertain significance. Last evaluated: 2025-03-13. Review status: criteria provided, single submitter. Criteria: ACMG Guidelines, 2015. Collection method: clinical testing. Allele origin: germline.

GeneDx
Classification: Likely benign. Last evaluated: 2018-06-15. Review status: criteria provided, single submitter. Criteria: GeneDx Variant Classification (06012015). Collection method: clinical testing. Allele origin: germline. Affected: yes.
Comment: This variant is considered likely benign or benign based on one or more of the following criteria: it is a conservative change, it occurs at a poorly conserved position in the protein, it is predicted to be benign by multiple in silico algorithms, and/or has population frequency not consistent with disease.

NM_001267550.2(TTN):c.2426C>G (p.Pro809Arg)

Gene: TTN (titin; minus strand). Cytogenetic location: 2q31.2.
Variant type: single nucleotide variant.
Coding change: c.2426C>G on transcript NM_001267550.2 (MANE Select); coding-DNA position 2426, C replaced by G.
Protein change: p.Pro809Arg; replaces proline 809 with arginine.
Molecular consequence: missense variant.
Genome position (GRCh38, 1-based): chr2:178,785,687, G>C on the plus strand (C>G on the coding strand, the complement: TTN is on the minus strand). VCF-style: chr2-178785687-G-C. GRCh37 (hg19) VCF-style: chr2-179650414-G-C.
Other names: c.2288C>G, p.Pro763Arg (NM_003319.4, NM_133432.3, NM_133437.4); c.2426C>G, p.Pro809Arg (NM_133378.4, NM_133379.5, NM_001256850.1); short protein forms P809R, P763R.
Identifiers: ClinVar variation 671796 (VCV000671796.2), dbSNP rs556497793, ClinGen allele CA2005829.